The following is an entry in ClinVar:

NM_006662.3(SRCAP):c.2990T>C (p.Met997Thr)

Gene: SRCAP (Snf2 related CREBBP activator protein; plus strand). Cytogenetic location: 16p11.2.
Variant type: single nucleotide variant.
Coding change: c.2990T>C on transcript NM_006662.3 (MANE Select); coding-DNA position 2990, T replaced by C.
Protein change: p.Met997Thr; replaces methionine 997 with threonine.
Molecular consequence: missense variant.
Genome position (GRCh38, 1-based): chr16:30,720,715, T>C. VCF-style: chr16-30720715-T-C. GRCh37 (hg19) VCF-style: chr16-30732036-T-C.
Other names: short protein forms M997T.
Identifiers: ClinVar variation 3237540 (VCV003237540.2), dbSNP rs2053003003.
Genomic context (GRCh38, chr16:30,720,715, plus strand): 5'-TATTGCTACCCCTTATTCTCCTTCTGTCCCTACCCACTCTCTTAATTTTTTCTCACAGGA[T>C]GCTGCAGCCAGTACCTAAGCAAGAAGGCCGGACAGTGGTGGTGGTGAACAACCCACGGGC-3'
Protein context (NP_006653.2, residues 987-1007): PKPVKMKVNR[Met997Thr]LQPVPKQEGR

ClinVar aggregate classification (germline): Uncertain significance. Review status: criteria provided, multiple submitters, no conflicts (2 of 4 stars). 2 submissions from 2 submitters: Uncertain significance (2). Last evaluated 2024-05-03.

Conditions:
Floating-Harbor syndrome (FLHS). Also called: Short stature with delayed bone age, expressive language delay, a triangular face with a prominent nose and deep-set eyes; Pelletier-Leisti syndrome; SRCAP-Related Floating-Harbor Syndrome. Identifiers: Orphanet 2044, MedGen C0729582, MONDO:0007621, OMIM 136140.

Allele frequency attached by ClinVar (database versions not stated): gnomAD exomes below 0.00001; TOPMed below 0.00001; gnomAD 0.00001.
gnomAD v4.1: 2 of 1,593,778 alleles (0.00013%); highest among the groups gnomAD compares: Admixed American, 0.0035%; no homozygotes.

Submissions (2):

Women's Health and Genetics/Laboratory Corporation of America, LabCorp
Classification: Uncertain significance. Last evaluated: 2024-05-03. Review status: criteria provided, single submitter. Criteria: LabCorp Variant Classification Summary - May 2015. Collection method: clinical testing. Allele origin: germline.
Comment: Variant summary: SRCAP c.2990T>C (p.Met997Thr) results in a non-conservative amino acid change in the encoded protein sequence. Four of five in-silico tools predict a damaging effect of the variant on protein function. Consensus agreement among computation tools predict no significant impact on normal splicing. However, these predictions have yet to be confirmed by functional studies. The variant was absent in 232488 control chromosomes. The available data on variant occurrences in the general population are insufficient to allow any conclusion about variant significance. To our knowledge, no occurrence of c.2990T>C in individuals affected with Floating-Harbor Syndrome and no experimental evidence demonstrating its impact on protein function have been reported. No submitters have cited clinical-significance assessments for this variant to ClinVar. Based on the evidence outlined above, the variant was classified as uncertain significance.

Baylor Genetics
Classification: Uncertain significance for Floating-Harbor syndrome. Last evaluated: 2024-03-08. Review status: criteria provided, single submitter. Criteria: ACMG Guidelines, 2015. Collection method: clinical testing. Allele origin: unknown.